The following is an entry in ClinVar:

NM_000217.3(KCNA1):c.1226C>A (p.Ser409Tyr)

Gene: KCNA1 (potassium voltage-gated channel subfamily A member 1; plus strand). Cytogenetic location: 12p13.32.
Variant type: single nucleotide variant.
Coding change: c.1226C>A on transcript NM_000217.3 (MANE Select); coding-DNA position 1226, C replaced by A.
Protein change: p.Ser409Tyr; replaces serine 409 with tyrosine.
Molecular consequence: missense variant.
Genome position (GRCh38, 1-based): chr12:4,912,604, C>A. VCF-style: chr12-4912604-C-A. GRCh37 (hg19) VCF-style: chr12-5021770-C-A.
Other names: short protein forms S409Y.
Identifiers: ClinVar variation 3382352 (VCV003382352.2).

ClinVar aggregate classification (germline): Likely pathogenic (1 of 4 stars; one submission).

Conditions:
Episodic ataxia type 1 (EA1). Also called: MYOKYMIA WITH PERIODIC ATAXIA; PAROXYSMAL ATAXIA WITH NEUROMYOTONIA, HEREDITARY; ATAXIA, EPISODIC, WITH MYOKYMIA; Episodic ataxia/myokymia syndrome. Identifiers: Orphanet 37612, Orphanet 972, MedGen C1719788, MONDO:0008047, OMIM 160120.

Submission:

Juno Genomics, Hangzhou Juno Genomics, Inc
Classification: Likely pathogenic for Episodic ataxia type 1. Review status: criteria provided, single submitter. Criteria: ACMG Guidelines, 2015. Collection method: clinical testing. Allele origin: germline. Affected: yes.
Comment: Absent from controls (or at extremely low frequency if recessive) in Genome Aggregation Database, Exome Sequencing Project, 1000 Genomes Project, or Exome Aggregation Consortium.;Multiple lines of computational evidence support a deleterious effect on the gene or gene product (conservation, evolutionary, splicing impact, etc).;Missense variant in a gene that has a low rate of benign missense variation and where missense variants are a common mechanism of disease.